The following is an entry in ClinVar:

NM_000350.3(ABCA4):c.5365A>G (p.Ser1789Gly)

Gene: ABCA4 (ATP binding cassette subfamily A member 4; minus strand). Cytogenetic location: 1p22.1.
Variant type: single nucleotide variant.
Coding change: c.5365A>G on transcript NM_000350.3 (MANE Select); coding-DNA position 5365, A replaced by G.
Protein change: p.Ser1789Gly; replaces serine 1789 with glycine.
Molecular consequence: missense variant.
Genome position (GRCh38, 1-based): chr1:94,014,638, T>C on the plus strand (A>G on the coding strand, the complement: ABCA4 is on the minus strand). VCF-style: chr1-94014638-T-C. GRCh37 (hg19) VCF-style: chr1-94480194-T-C.
Other names: c.5143A>G, p.Ser1715Gly (NM_001425324.1); short protein forms S1715G, S1789G.
Identifiers: ClinVar variation 2760626 (VCV002760626.3), dbSNP rs2523668761, ClinGen allele CA341281431.

ClinVar aggregate classification (germline): Likely pathogenic (1 of 4 stars; one submission).

Submission:

Labcorp Genetics (formerly Invitae), Labcorp
Classification: Likely pathogenic. Last evaluated: 2023-09-14. Review status: criteria provided, single submitter. Criteria: Invitae Variant Classification Sherloc (09022015). Collection method: clinical testing. Allele origin: germline.
Comment: This sequence change replaces serine, which is neutral and polar, with glycine, which is neutral and non-polar, at codon 1789 of the ABCA4 protein (p.Ser1789Gly). This variant is not present in population databases (gnomAD no frequency). This variant has not been reported in the literature in individuals affected with ABCA4-related conditions. Advanced modeling of protein sequence and biophysical properties (such as structural, functional, and spatial information, amino acid conservation, physicochemical variation, residue mobility, and thermodynamic stability) performed at Invitae indicates that this missense variant is expected to disrupt ABCA4 protein function. This variant disrupts the p.Ser1789 amino acid residue in ABCA4. Other variant(s) that disrupt this residue have been determined to be pathogenic (PMID: 29641573; Invitae). This suggests that this residue is clinically significant, and that variants that disrupt this residue are likely to be disease-causing. In summary, the currently available evidence indicates that the variant is pathogenic, but additional data are needed to prove that conclusively. Therefore, this variant has been classified as Likely Pathogenic.

Literature cited by the submitters: PubMed 29641573.